The following is an entry in ClinVar:

NM_001352754.2(ARMC9):c.1664G>T (p.Gly555Val)

Gene: ARMC9 (armadillo repeat containing 9; plus strand). Cytogenetic location: 2q37.1.
Variant type: single nucleotide variant.
Coding change: c.1664G>T on transcript NM_001352754.2 (MANE Select); coding-DNA position 1664, G replaced by T.
Protein change: p.Gly555Val; replaces glycine 555 with valine.
Molecular consequence: missense variant. On other transcripts: non-coding transcript variant (1).
Genome position (GRCh38, 1-based): chr2:231,291,390, G>T. VCF-style: chr2-231291390-G-T. GRCh37 (hg19) VCF-style: chr2-232156103-G-T.
Other names: c.1664G>T, p.Gly555Val (NM_001271466.4, NM_001291656.2, NM_001352755.2 and 3 more transcripts); c.1565G>T, p.Gly522Val (NM_001352757.2, NM_001352758.2); short protein forms G522V, G555V.
Identifiers: ClinVar variation 848815 (VCV000848815.8), dbSNP rs766850144, ClinGen allele CA350957433.
Genomic context (GRCh38, chr2:231,291,390, plus strand): 5'-ATTACTTTCGCCAATACTTCTAGGGAATGGAAGACATCCTACGCTGCTTCATCAAAGAAG[G>T]CAATGCTGAAATGATCCGCCAGATAGAATTCATCATCAAGCAGCTAAATTCCGGTCAGTT-3'
Protein context (NP_001339683.2, residues 545-565): EDILRCFIKE[Gly555Val]NAEMIRQIEF

ClinVar aggregate classification (germline): Uncertain significance (1 of 4 stars; one submission).

Submission:

Labcorp Genetics (formerly Invitae), Labcorp
Classification: Uncertain significance. Last evaluated: 2019-12-04. Review status: criteria provided, single submitter. Criteria: Invitae Variant Classification Sherloc (09022015). Collection method: clinical testing. Allele origin: germline.
Comment: In summary, the available evidence is currently insufficient to determine the role of this variant in disease. Therefore, it has been classified as a Variant of Uncertain Significance. Experimental studies and prediction algorithms are not available or were not evaluated, and the functional significance of this variant is currently unknown. This variant has not been reported in the literature in individuals with ARMC9-related conditions. This variant is not present in population databases (ExAC no frequency). This sequence change replaces glycine with valine at codon 555 of the ARMC9 protein (p.Gly555Val). The glycine residue is moderately conserved and there is a moderate physicochemical difference between glycine and valine.